The following is an entry in ClinVar:

ClinVar aggregate classification (germline): Pathogenic/Likely pathogenic. Review status: criteria provided, multiple submitters, no conflicts (2 of 4 stars). 3 submissions from 3 submitters: Pathogenic (1); Likely pathogenic (1). 1 of the submissions does not count toward it. Last evaluated 2026-06-23.

Conditions:
DOCK6-related disorders.
Intellectual disability. Also called: Intellectual functioning disability; Intellectual developmental disorder; intellectual disabilities. Identifiers: MedGen C3714756, MeSH D008607, MONDO:0001071, HP:0001249.

Submissions (3):

GeneDx
Classification: Pathogenic. Last evaluated: 2026-06-23. Review status: criteria provided, single submitter. Criteria: GeneDx Variant Classification Process June 2021. Collection method: clinical testing. Allele origin: germline.
Comment: Reported without a second variant in a proband with myelodysplastic syndrome in published literature (PMID: 32098966); Frameshift variant predicted to result in protein truncation or nonsense mediated decay in a gene for which loss of function is a known mechanism of disease; Not observed at significant frequency in large population cohorts (gnomAD); This variant is associated with the following publications: (PMID: 31980526, 32098966)

Blueprint Genetics
Classification: Likely pathogenic for DOCK6-related disorders. Last evaluated: 2024-07-11. Review status: criteria provided, single submitter. Criteria: ACMG Guidelines, 2015. Collection method: clinical testing. Allele origin: germline. Affected: yes. Observed: 4 variant alleles.

Centre de Biologie Pathologie Génétique, Centre Hospitalier Universitaire de Lille
Classification: Likely benign for Intellectual disability. Last evaluated: 2019-01-01. Review status: no assertion criteria provided. Collection method: clinical testing. Allele origin: inherited. Affected: yes. Not counted in ClinVar's aggregate classification.

NM_020812.4(DOCK6):c.631del (p.Ala211fs)

Gene: DOCK6 (dedicator of cytokinesis 6; minus strand). Cytogenetic location: 19p13.2.
Variant type: Deletion.
Coding change: c.631del on transcript NM_020812.4 (MANE Select); coding-DNA position 631, one base deleted (G; older notation c.631delG).
Protein change: p.Ala211fs; shifts the reading frame from alanine 211.
Molecular consequence: frameshift variant.
Genome position (GRCh38, 1-based): chr19:11,250,963, C deleted on the plus strand (G on the coding strand, the reverse complement: DOCK6 is on the minus strand); the first of 2 consecutive C bases (chr19:11,250,963-11,250,964); deleting either gives the same sequence. VCF-style (leftmost placement, unchanged base first): chr19-11250962-GC-G. GRCh37 (hg19) VCF-style: chr19-11361638-GC-G.
Other names: c.631del, p.Ala211fs (NM_001367830.1); short protein forms A211fs.
Identifiers: ClinVar variation 975216 (VCV000975216.5), dbSNP rs761856660, ClinGen allele CA305347807.